The following is an entry in ClinVar:

NM_003737.4(DCHS1):c.8502C>T (p.His2834=)

Gene: DCHS1 (dachsous cadherin-related 1; minus strand). Cytogenetic location: 11p15.4.
Variant type: single nucleotide variant.
Coding change: c.8502C>T on transcript NM_003737.4 (MANE Select); coding-DNA position 8502, C replaced by T.
Protein change: p.His2834=; no amino-acid change (histidine 2834 retained).
Molecular consequence: synonymous variant.
Genome position (GRCh38, 1-based): chr11:6,623,174, G>A on the plus strand (C>T on the coding strand, the complement: DCHS1 is on the minus strand). VCF-style: chr11-6623174-G-A. GRCh37 (hg19) VCF-style: chr11-6644405-G-A.
Identifiers: ClinVar variation 707874 (VCV000707874.34), dbSNP rs150994160, ClinGen allele CA5859404.

ClinVar aggregate classification (germline): Benign/Likely benign. Review status: criteria provided, multiple submitters, no conflicts (2 of 4 stars). 4 submissions from 4 submitters: Benign (1); Likely benign (3). Last evaluated 2026-01-12.

Allele frequency attached by ClinVar (database versions not stated): gnomAD exomes 0.00019 and 0.00061; ExAC 0.00113; 1000 Genomes Project 0.00160; 1000 Genomes Project 30x 0.00203; gnomAD 0.00246 and 0.00272; ESP Exome Variant Server 0.00254; TOPMed 0.00274.
gnomAD v4.1: 667 of 1,607,734 alleles (0.041%); highest among the groups gnomAD compares: African/African-American, 0.79%; 3 homozygotes.

Submissions (4):

Labcorp Genetics (formerly Invitae), Labcorp
Classification: Benign. Last evaluated: 2026-01-12. Review status: criteria provided, single submitter. Criteria: Invitae Variant Classification Sherloc (09022015). Collection method: clinical testing. Allele origin: germline.

CeGaT Center for Human Genetics Tuebingen
Classification: Likely benign. Last evaluated: 2023-12-01. Review status: criteria provided, single submitter. Criteria: CeGaT Center For Human Genetics Tuebingen Variant Classification Criteria Version 2. Collection method: clinical testing. Allele origin: germline. Affected: yes. Observed: 1 variant allele.
Comment: DCHS1: BP4, BP7, BS2

GeneDx
Classification: Likely benign. Last evaluated: 2020-12-05. Review status: criteria provided, single submitter. Criteria: GeneDx Variant Classification Process June 2021. Collection method: clinical testing. Allele origin: germline. Affected: yes.

Breakthrough Genomics
Classification: Likely benign. Review status: criteria provided, single submitter. Criteria: ACMG Guidelines, 2015. Collection method: not provided. Allele origin: germline. Inheritance: Autosomal recessive inheritance. Affected: yes.